The following is an entry in ClinVar:

NM_000038.6(APC):c.4229G>A (p.Cys1410Tyr)

Gene: APC (APC regulator of Wnt signaling pathway; plus strand). Cytogenetic location: 5q22.2.
Variant type: single nucleotide variant.
Coding change: c.4229G>A on transcript NM_000038.6 (MANE Select); coding-DNA position 4229, G replaced by A.
Protein change: p.Cys1410Tyr; replaces cysteine 1410 with tyrosine.
Molecular consequence: missense variant.
Genome position (GRCh38, 1-based): chr5:112,839,823, G>A. VCF-style: chr5-112839823-G-A. GRCh37 (hg19) VCF-style: chr5-112175520-G-A.
Other names: c.4229G>A, p.Cys1410Tyr (NM_001127510.3, NM_001354895.2); c.4175G>A, p.Cys1392Tyr (NM_001127511.3); c.4283G>A, p.Cys1428Tyr (NM_001354896.2); c.4259G>A, p.Cys1420Tyr (NM_001354897.2); c.4154G>A, p.Cys1385Tyr (NM_001354898.2); c.4145G>A, p.Cys1382Tyr (NM_001354899.2); c.4106G>A, p.Cys1369Tyr (NM_001354900.2); c.4052G>A, p.Cys1351Tyr (NM_001354901.2); and 5 more; short protein forms C1127Y, C1250Y, C1392Y, C1420Y, C1351Y, C1369Y, C1382Y, C1410Y.
Identifiers: ClinVar variation 927923 (VCV000927923.5), dbSNP rs1765629796, ClinGen allele CA16030596.

ClinVar aggregate classification (germline): Uncertain significance. Review status: criteria provided, multiple submitters, no conflicts (2 of 4 stars). 2 submissions from 2 submitters: Uncertain significance (2). Last evaluated 2020-12-30.

Conditions:
Hereditary cancer-predisposing syndrome. Also called: Neoplastic Syndromes, Hereditary; Hereditary Cancer Syndrome; Tumor predisposition; Hereditary neoplastic syndrome. Identifiers: Orphanet 140162, MedGen C0027672, MeSH D009386, MONDO:0015356.

Submissions (2):

Ambry Genetics
Classification: Uncertain significance for Hereditary cancer-predisposing syndrome. Last evaluated: 2020-12-30. Review status: criteria provided, single submitter. Criteria: Ambry Variant Classification Scheme 2023. Collection method: clinical testing. Allele origin: germline.
Comment: The p.C1410Y variant (also known as c.4229G>A), located in coding exon 15 of the APC gene, results from a G to A substitution at nucleotide position 4229. The cysteine at codon 1410 is replaced by tyrosine, an amino acid with highly dissimilar properties. This amino acid position is highly conserved in available vertebrate species. In addition, in silico predictors for this gene do not accurately predict pathogenicity. Since supporting evidence is limited at this time, the clinical significance of this alteration remains unclear.

Color Diagnostics, LLC DBA Color Health
Classification: Uncertain significance for Hereditary cancer-predisposing syndrome. Last evaluated: 2019-10-10. Review status: criteria provided, single submitter. Criteria: ACMG Guidelines, 2015. Collection method: clinical testing. Allele origin: germline.
Comment: This missense variant replaces cysteine with tyrosine at codon 1410 of the APC protein. Computational prediction is inconclusive regarding the impact of this variant on protein structure and function (internally defined REVEL score threshold 0.5 < inconclusive < 0.7, PMID: 27666373). Splice site prediction tools suggest that this variant may not impact RNA splicing. To our knowledge, functional studies have not been performed for this variant. This variant has not been reported in individuals affected with hereditary cancer in the literature. This variant has not been identified in the general population by the Genome Aggregation Database (gnomAD). The available evidence is insufficient to determine the role of this variant in disease conclusively. Therefore, this variant is classified as a Variant of Uncertain Significance.